The following is an entry in ClinVar:

NM_177924.5(ASAH1):c.94A>T (p.Arg32Ter)

Gene: ASAH1 (N-acylsphingosine amidohydrolase 1; minus strand). Cytogenetic location: 8p22.
Variant type: single nucleotide variant.
Coding change: c.94A>T on transcript NM_177924.5 (MANE Select); coding-DNA position 94, A replaced by T.
Protein change: p.Arg32Ter; replaces arginine 32 with a stop codon.
Molecular consequence: nonsense. On other transcripts: 5 prime UTR variant (1).
Genome position (GRCh38, 1-based): chr8:18,075,572, T>A on the plus strand (A>T on the coding strand, the complement: ASAH1 is on the minus strand). VCF-style: chr8-18075572-T-A. GRCh37 (hg19) VCF-style: chr8-17933081-T-A.
Other names: c.142A>T, p.Arg48Ter (NM_001127505.3, NM_004315.6); c.-102A>T (NM_001363743.2); short protein forms R32*, R48*.
Identifiers: ClinVar variation 1698792 (VCV001698792.2), dbSNP rs1588999386, ClinGen allele CA370434631.

ClinVar aggregate classification (germline): Likely pathogenic (1 of 4 stars; one submission).

Conditions:
Farber lipogranulomatosis (FRBRL). Also called: Farber disease; Farber's lipogranulomatosis; Farber's disease; AC DEFICIENCY; ACID CERAMIDASE DEFICIENCY; CERAMIDASE DEFICIENCY. Identifiers: Orphanet 333, MedGen C0268255, MONDO:0009218, OMIM 228000.

Submission:

Genetics and Molecular Pathology, SA Pathology
Classification: Likely pathogenic for Farber lipogranulomatosis. Last evaluated: 2021-01-27. Review status: criteria provided, single submitter. Criteria: ACMG Guidelines, 2015. Collection method: clinical testing. Allele origin: germline. Affected: yes.
Comment: The ASAH1 c.94A>T variant is classified as Likely Pathogenic (PVS1, PM2) The ASAH1 c.94A>T variant is a single nucleotide change which is predicted to result in premature termination of the protein product at codon 32. This variant is absent from population databases (PM2).